The following is an entry in ClinVar:

ClinVar aggregate classification (germline): Uncertain significance (1 of 4 stars; one submission).

Conditions:
Ehlers-Danlos syndrome, classic type, 1 (EDSCL1). Also called: EHLERS-DANLOS SYNDROME, GRAVIS TYPE; EHLERS-DANLOS SYNDROME, SEVERE CLASSIC TYPE; Ehlers-Danlos syndrome, type 1; Ehlers-Danlos Syndrome, Classic Type, COL5A1-Related; EDS I. Identifiers: MedGen C0268335, MONDO:0019567, OMIM 130000.

Submission:

Labcorp Genetics (formerly Invitae), Labcorp
Classification: Uncertain significance for Ehlers-Danlos syndrome, classic type, 1. Last evaluated: 2024-04-25. Review status: criteria provided, single submitter. Criteria: Invitae Variant Classification Sherloc (09022015). Collection method: clinical testing. Allele origin: germline.
Comment: This sequence change falls in intron 45 of the COL5A1 gene. It does not directly change the encoded amino acid sequence of the COL5A1 protein. It affects a nucleotide within the consensus splice site. This variant is not present in population databases (gnomAD no frequency). This variant has not been reported in the literature in individuals affected with COL5A1-related conditions. Variants that disrupt the consensus splice site are a relatively common cause of aberrant splicing (PMID: 17576681, 9536098). Algorithms developed to predict the effect of sequence changes on RNA splicing suggest that this variant is not likely to affect RNA splicing. In summary, the available evidence is currently insufficient to determine the role of this variant in disease. Therefore, it has been classified as a Variant of Uncertain Significance.

Literature cited by the submitters: PubMed 17576681; PubMed 9536098.

NM_000093.5(COL5A1):c.3583-3C>T

Gene: COL5A1 (collagen type V alpha 1 chain; plus strand). Cytogenetic location: 9q34.3.
Variant type: single nucleotide variant.
Coding change: c.3583-3C>T on transcript NM_000093.5 (MANE Select); 3 bases into the intron before coding-DNA position 3583, C replaced by T.
Molecular consequence: intron variant.
Genome position (GRCh38, 1-based): chr9:134,811,489, C>T. VCF-style: chr9-134811489-C-T. GRCh37 (hg19) VCF-style: chr9-137703335-C-T.
Other names: c.3583-3C>T (NM_001278074.1).
Identifiers: ClinVar variation 3651116 (VCV003651116.2).